The following is an entry in ClinVar:

ClinVar aggregate classification (germline): Pathogenic/Likely pathogenic. Review status: criteria provided, multiple submitters, no conflicts (2 of 4 stars). 3 submissions from 3 submitters: Pathogenic (2); Likely pathogenic (1). Last evaluated 2025-01-06.

Conditions:
TCAP-related disorder. Also called: TCAP-related condition.
Hypertrophic cardiomyopathy 25 (CMH25). Also called: CARDIOMYOPATHY, FAMILIAL HYPERTROPHIC, 25. Identifiers: MedGen C4225408, MONDO:0011843, OMIM 607487.
Primary familial hypertrophic cardiomyopathy (HCM). Identifiers: Orphanet 99739, MedGen C0949658, MeSH D024741, MONDO:0024573. Inheritance: Various modes of inheritance.
Autosomal recessive limb-girdle muscular dystrophy type 2G (LGMDR7). Also called: Limb-girdle muscular dystrophy, type 2G; Telethoninopathy; MUSCULAR DYSTROPHY, LIMB-GIRDLE, AUTOSOMAL RECESSIVE 7. Identifiers: Orphanet 34514, MedGen C1866008, MONDO:0011170, OMIM 601954.

Allele frequency attached by ClinVar (database versions not stated): TOPMed below 0.00001; gnomAD 0.00001; ExAC 0.00002; gnomAD exomes 0.00002.
gnomAD v4.1: 3 of 1,613,542 alleles (0.00019%); highest among the groups gnomAD compares: African/African-American, 0.0013%; no homozygotes.

Submissions (3):

Labcorp Genetics (formerly Invitae), Labcorp
Classification: Pathogenic for Hypertrophic cardiomyopathy 25; Primary familial hypertrophic cardiomyopathy. Last evaluated: 2025-01-06. Review status: criteria provided, single submitter. Criteria: Invitae Variant Classification Sherloc (09022015). Collection method: clinical testing. Allele origin: germline.
Comment: This sequence change creates a premature translational stop signal (p.Trp25*) in the TCAP gene. While this is not anticipated to result in nonsense mediated decay, it is expected to disrupt the last 143 amino acid(s) of the TCAP protein. This variant is present in population databases (rs778851652, gnomAD 0.004%). This premature translational stop signal has been observed in individuals with autosomal recessive limb-girdle muscular dystrophy (PMID: 18948002, 29935994, 32140910, 32528171). It has also been observed to segregate with disease in related individuals. ClinVar contains an entry for this variant (Variation ID: 813977). Studies have shown that this premature translational stop signal alters TCAP gene expression (PMID: 18948002). Algorithms developed to predict the effect of sequence changes on RNA splicing suggest that this variant may disrupt the consensus splice site. For these reasons, this variant has been classified as Pathogenic.

Blueprint Genetics
Classification: Pathogenic for TCAP-related disorders. Last evaluated: 2024-05-24. Review status: criteria provided, single submitter. Criteria: ACMG Guidelines, 2015. Collection method: clinical testing. Allele origin: germline. Affected: yes. Observed: 3 variant alleles.

Broad Center for Mendelian Genomics, Broad Institute of MIT and Harvard
Classification: Likely pathogenic for Autosomal recessive limb-girdle muscular dystrophy type 2G. Last evaluated: 2018-12-03. Review status: criteria provided, single submitter. Criteria: ACMG Guidelines, 2015. Collection method: research. Allele origin: germline. Inheritance: Autosomal recessive inheritance. Affected: yes.
Comment: This variant was absent from large population studies. This nonsense variant leads to a premature termination codon at position 25. This alteration occurs within the terminal 50 bases of the second to last exon and is more likely to escape nonsense mediated decay (NMD) and result in a truncated protein. Loss of function of the TCAP gene is an established disease mechanism in autosomal recessive LGMD. In summary, although additional studies are required to fully establish its clinical significance, this variant is likely pathogenic. ACMG/AMP Criteria applied: PM2, PVS1_Strong (Richards 2015).

Literature cited by the submitters: PubMed 18948002 (cited by Labcorp Genetics (formerly Invitae), Labcorp); PubMed 29935994 (cited by Labcorp Genetics (formerly Invitae), Labcorp); PubMed 32140910 (cited by Labcorp Genetics (formerly Invitae), Labcorp); PubMed 32528171 (cited by Labcorp Genetics (formerly Invitae), Labcorp).

NM_003673.4(TCAP):c.75G>A (p.Trp25Ter)

Gene: TCAP (titin-cap; plus strand). Cytogenetic location: 17q12.
Variant type: single nucleotide variant.
Coding change: c.75G>A on transcript NM_003673.4 (MANE Select); coding-DNA position 75, G replaced by A.
Protein change: p.Trp25Ter; replaces tryptophan 25 with a stop codon.
Molecular consequence: nonsense.
Genome position (GRCh38, 1-based): chr17:39,665,434, G>A. VCF-style: chr17-39665434-G-A. GRCh37 (hg19) VCF-style: chr17-37821687-G-A.
Other names: short protein forms W25*.
Identifiers: ClinVar variation 813977 (VCV000813977.7), dbSNP rs778851652, ClinGen allele CA8532828.
Genomic context (GRCh38, chr17:39,665,434, plus strand): 5'-GCTGAGCTGCGAGGTGTCGGAGGAGAACTGTGAGCGCCGGGAGGCCTTCTGGGCAGAATG[G>A]AAGGATCTGACACTGTCCACACGGCCCGAGGAGGGGTGAGTGTGGGTCTGCTAGAGCCCT-3'